The following is an entry in ClinVar:

NM_002474.3(MYH11):c.5055_5062del (p.Glu1686fs)

Genes: NDE1 (nudE neurodevelopment protein 1; plus strand), MYH11 (myosin heavy chain 11; minus strand). Cytogenetic location: 16p13.11.
Variant type: Deletion.
Coding change: c.5055_5062del on transcript NM_002474.3 (MANE Select); coding-DNA positions 5055 to 5062, 8 bases deleted (GGAAGCAG; older notation c.5055_5062delGGAAGCAG).
Protein change: p.Glu1686fs; shifts the reading frame from glutamic acid 1686.
Molecular consequence: frameshift variant. On other transcripts: intron variant (2).
Genome position (GRCh38, 1-based): chr16:15,719,605-15,719,612, CTGCTTCC deleted on the plus strand (GGAAGCAG on the coding strand, the reverse complement: MYH11 is on the minus strand). VCF-style (leftmost placement, unchanged base first): chr16-15719604-TCTGCTTCC-T. GRCh37 (hg19) VCF-style: chr16-15813461-TCTGCTTCC-T.
Other names: c.5076_5083del, p.Glu1693fs (NM_001040113.2, NM_001040114.2); c.5055_5062del, p.Glu1686fs (NM_022844.3); c.948-4586_948-4579del (NM_001143979.2, NM_017668.3); short protein forms E1686fs, E1693fs.
Identifiers: ClinVar variation 3387171 (VCV003387171.1).

ClinVar aggregate classification (germline): Uncertain significance (1 of 4 stars; one submission).

Conditions:
Familial thoracic aortic aneurysm and aortic dissection (TAAD). Also called: Thoracic aortic aneurysms and dissections. Identifiers: Orphanet 91387, MedGen C4707243, MONDO:0019625.

Submission:

All of Us Research Program, National Institutes of Health
Classification: Uncertain significance for Familial thoracic aortic aneurysm and aortic dissection. Last evaluated: 2024-08-06. Review status: criteria provided, single submitter. Criteria: ACMG Guidelines, 2015. Collection method: clinical testing. Allele origin: germline. Inheritance: Autosomal dominant inheritance. Observed: 1 variant allele, 1 heterozygote.
Comment: This study involves interpretation of variants in research participants for the purpose of population health screening. Participant phenotype was not available at the time of variant classification. Additional details can be found in publication PMID: 35346344, PMCID: PMC8962531